The following is an entry in ClinVar:

NM_007194.4(CHEK2):c.679G>C (p.Gly227Arg)

Gene: CHEK2 (checkpoint kinase 2; minus strand). Cytogenetic location: 22q12.1.
Variant type: single nucleotide variant.
Coding change: c.679G>C on transcript NM_007194.4 (MANE Select); coding-DNA position 679, G replaced by C.
Protein change: p.Gly227Arg; replaces glycine 227 with arginine.
Molecular consequence: missense variant. On other transcripts: intron variant (1).
Genome position (GRCh38, 1-based): chr22:28,719,399, C>G on the plus strand (G>C on the coding strand, the complement: CHEK2 is on the minus strand). VCF-style: chr22-28719399-C-G. GRCh37 (hg19) VCF-style: chr22-29115387-C-G.
Other names: c.808G>C, p.Gly270Arg (NM_001005735.3, NM_001438294.1); c.16G>C, p.Gly6Arg (NM_001257387.3, NM_001437942.1); c.772G>C, p.Gly258Arg (NM_001438293.1, NM_001438295.1); c.679G>C, p.Gly227Arg (NM_145862.3); c.482+5487G>C (NM_001349956.3); short protein forms G270R, G6R, G227R, G258R.
Identifiers: ClinVar variation 826626 (VCV000826626.12), dbSNP rs878854920, ClinGen allele CA411104851.

ClinVar aggregate classification (germline): Uncertain significance. Review status: criteria provided, multiple submitters, no conflicts (2 of 4 stars). 3 submissions from 3 submitters: Uncertain significance (3). Last evaluated 2022-01-26.

Conditions:
Hereditary cancer-predisposing syndrome. Also called: Neoplastic Syndromes, Hereditary; Tumor predisposition; Hereditary neoplastic syndrome; Hereditary Cancer Syndrome. Identifiers: Orphanet 140162, MedGen C0027672, MeSH D009386, MONDO:0015356.
Familial cancer of breast. Also called: BREAST CANCER, FAMILIAL; Hereditary breast cancer; hereditary breast carcinoma. Identifiers: Orphanet 227535, MedGen C0346153, MONDO:0016419, OMIM 114480. Disease mechanism: loss of function.

Submissions (3):

Labcorp Genetics (formerly Invitae), Labcorp
Classification: Uncertain significance for Familial cancer of breast. Last evaluated: 2022-01-26. Review status: criteria provided, single submitter. Criteria: Invitae Variant Classification Sherloc (09022015). Collection method: clinical testing. Allele origin: germline.
Comment: This sequence change replaces glycine, which is neutral and non-polar, with arginine, which is basic and polar, at codon 227 of the CHEK2 protein (p.Gly227Arg). This variant is not present in population databases (gnomAD no frequency). This variant has not been reported in the literature in individuals affected with CHEK2-related conditions. ClinVar contains an entry for this variant (Variation ID: 826626). Algorithms developed to predict the effect of missense changes on protein structure and function are either unavailable or do not agree on the potential impact of this missense change (SIFT: "Deleterious"; PolyPhen-2: "Probably Damaging"; Align-GVGD: "Class C15"). In summary, the available evidence is currently insufficient to determine the role of this variant in disease. Therefore, it has been classified as a Variant of Uncertain Significance.

GeneDx
Classification: Uncertain significance. Last evaluated: 2019-05-02. Review status: criteria provided, single submitter. Criteria: GeneDx Variant Classification Process June 2021. Collection method: clinical testing. Allele origin: germline. Affected: yes.
Comment: Has not been previously published as pathogenic or benign to our knowledge

Ambry Genetics
Classification: Uncertain significance for Hereditary cancer-predisposing syndrome. Last evaluated: 2019-04-12. Review status: criteria provided, single submitter. Criteria: Ambry Variant Classification Scheme 2023. Collection method: clinical testing. Allele origin: germline.
Comment: The p.G227R variant (also known as c.679G>C), located in coding exon 4 of the CHEK2 gene, results from a G to C substitution at nucleotide position 679. The glycine at codon 227 is replaced by arginine, an amino acid with dissimilar properties. This amino acid position is highly conserved in available vertebrate species. In addition, this alteration is predicted to be deleterious by in silico analysis. Since supporting evidence is limited at this time, the clinical significance of this alteration remains unclear.